The following is an entry in ClinVar:

NM_006393.3(NEBL):c.640C>G (p.Pro214Ala)

Gene: NEBL (nebulette; minus strand). Cytogenetic location: 10p12.31.
Variant type: single nucleotide variant.
Coding change: c.640C>G on transcript NM_006393.3 (MANE Select); coding-DNA position 640, C replaced by G.
Protein change: p.Pro214Ala; replaces proline 214 with alanine.
Molecular consequence: missense variant. On other transcripts: intron variant (9).
Genome position (GRCh38, 1-based): chr10:20,868,708, G>C on the plus strand (C>G on the coding strand, the complement: NEBL is on the minus strand). VCF-style: chr10-20868708-G-C. GRCh37 (hg19) VCF-style: chr10-21157637-G-C.
Other names: c.250-55768C>G (NM_001377326.1, NM_001377327.1, NM_001377328.1); c.358-55768C>G (NM_213569.2, NM_001173484.2, NM_001377322.1); c.301-55768C>G (NM_001377324.1); c.292-55768C>G (NM_001377325.1); c.310-55768C>G (NM_001377323.1); short protein forms P214A.
Identifiers: ClinVar variation 1009746 (VCV001009746.12), dbSNP rs1392632186, ClinGen allele CA376103206.

ClinVar aggregate classification (germline): Uncertain significance (1 of 4 stars; one submission).

Conditions:
Primary dilated cardiomyopathy (DCM). Also called: Dilated Cardiomyopathy. Identifiers: Orphanet 217604, MedGen C0007193, MeSH D002311, MONDO:0005021, HP:0001644. Inheritance: Various modes of inheritance.

Allele frequency attached by ClinVar (database versions not stated): TOPMed below 0.00001; gnomAD 0.00001.
gnomAD v4.1: 1 of 1,612,750 alleles (0.000062%); highest among the groups gnomAD compares: African/African-American, 0.0013%; no homozygotes.

Submission:

Labcorp Genetics (formerly Invitae), Labcorp
Classification: Uncertain significance for Primary dilated cardiomyopathy. Last evaluated: 2022-03-09. Review status: criteria provided, single submitter. Criteria: Invitae Variant Classification Sherloc (09022015). Collection method: clinical testing. Allele origin: germline.
Comment: This sequence change replaces proline, which is neutral and non-polar, with alanine, which is neutral and non-polar, at codon 214 of the NEBL protein (p.Pro214Ala). This variant is not present in population databases (gnomAD no frequency). This variant has not been reported in the literature in individuals affected with NEBL-related conditions. ClinVar contains an entry for this variant (Variation ID: 1009746). Algorithms developed to predict the effect of missense changes on protein structure and function (SIFT, PolyPhen-2, Align-GVGD) all suggest that this variant is likely to be tolerated. In summary, the available evidence is currently insufficient to determine the role of this variant in disease. Therefore, it has been classified as a Variant of Uncertain Significance.